The following is an entry in ClinVar:

ClinVar aggregate classification (germline): Pathogenic (1 of 4 stars; one submission).

Conditions:
Duchenne muscular dystrophy (DMD). Also called: MUSCULAR DYSTROPHY, PSEUDOHYPERTROPHIC PROGRESSIVE, DUCHENNE TYPE; Duchenne Muscular Dystrophy (DMD). Identifiers: Orphanet 98896, MedGen C0013264, MONDO:0010679, OMIM 310200.

Submission:

Labcorp Genetics (formerly Invitae), Labcorp
Classification: Pathogenic for Duchenne muscular dystrophy. Last evaluated: 2020-07-21. Review status: criteria provided, single submitter. Criteria: Invitae Variant Classification Sherloc (09022015). Collection method: clinical testing. Allele origin: germline.
Comment: This variant has not been reported in the literature in individuals with DMD-related conditions. For these reasons, this variant has been classified as Pathogenic. Loss-of-function variants in DMD are known to be pathogenic (PMID: 16770791, 25007885). This variant is an out-of-frame deletion of the genomic region encompassing exon(s) 12-37 of the DMD gene. This is expected to create a premature translational stop signal and result in an absent or disrupted protein product.

Literature cited by the submitters: PubMed 16770791; PubMed 25007885.

NC_000023.10:g.(?_32380895)_(32632580_?)del

Gene: DMD (dystrophin; minus strand). Cytogenetic location: Xp21.1.
Variant type: Deletion.
Identifiers: ClinVar variation 1071519 (VCV001071519.3).